The following is an entry in ClinVar:

ClinVar aggregate classification (germline): Benign (1 of 4 stars; one submission).

Conditions:
Carnitine acylcarnitine translocase deficiency (CACTD). Identifiers: Orphanet 159, MedGen C0342791, MONDO:0008918, OMIM 212138.

Allele frequency attached by ClinVar (database versions not stated): gnomAD 0.00046 and 0.00081; 1000 Genomes Project 0.00399; gnomAD exomes 0.00101; 1000 Genomes Project 30x 0.00359; TOPMed 0.00083.
gnomAD v4.1: 269 of 305,112 alleles (0.088%); highest among the groups gnomAD compares: East Asian, 2.1%; 4 homozygotes.

Submission:

Illumina Laboratory Services, Illumina
Classification: Benign for Carnitine acylcarnitine translocase deficiency. Last evaluated: 2018-01-13. Review status: criteria provided, single submitter. Criteria: ICSL Variant Classification Criteria 13 December 2019. Collection method: clinical testing. Allele origin: germline.
Comment: This variant was observed in the ICSL laboratory as part of a predisposition screen in an ostensibly healthy population. It had not been previously curated by ICSL or reported in the Human Gene Mutation Database (HGMD: prior to June 1st, 2018), and was therefore a candidate for classification through an automated scoring system. Utilizing variant allele frequency, disease prevalence and penetrance estimates, and inheritance mode, an automated score was calculated to assess if this variant is too frequent to cause the disease. Based on the score and internal cut-off values, a variant classified as benign is not then subjected to further curation. The score for this variant resulted in a classification of benign for this disease.

NM_000387.6(SLC25A20):c.*357C>T

Gene: SLC25A20 (solute carrier family 25 member 20; minus strand). Cytogenetic location: 3p21.31.
Variant type: single nucleotide variant.
Coding change: c.*357C>T on transcript NM_000387.6 (MANE Select); 357 bases downstream of the stop codon, C replaced by T.
Molecular consequence: 3 prime UTR variant.
Genome position (GRCh38, 1-based): chr3:48,857,353, G>A on the plus strand (C>T on the coding strand, the complement: SLC25A20 is on the minus strand). VCF-style: chr3-48857353-G-A. GRCh37 (hg19) VCF-style: chr3-48894786-G-A.
Identifiers: ClinVar variation 345936 (VCV000345936.5), dbSNP rs78776342, ClinGen allele CA10616892.